The following is an entry in ClinVar:

NM_000143.4(FH):c.556-17T>G

Gene: FH (fumarate hydratase; minus strand). Cytogenetic location: 1q43.
Variant type: single nucleotide variant.
Coding change: c.556-17T>G on transcript NM_000143.4 (MANE Select); 17 bases into the intron before coding-DNA position 556, T replaced by G.
Molecular consequence: intron variant.
Genome position (GRCh38, 1-based): chr1:241,508,802, A>C on the plus strand (T>G on the coding strand, the complement: FH is on the minus strand). VCF-style: chr1-241508802-A-C. GRCh37 (hg19) VCF-style: chr1-241672102-A-C.
Identifiers: ClinVar variation 3689931 (VCV003689931.2).

ClinVar aggregate classification (germline): Uncertain significance (1 of 4 stars; one submission).

Submission:

Labcorp Genetics (formerly Invitae), Labcorp
Classification: Uncertain significance. Last evaluated: 2025-10-19. Review status: criteria provided, single submitter. Criteria: Invitae Variant Classification Sherloc (09022015). Collection method: clinical testing. Allele origin: germline.
Comment: This sequence change falls in intron 4 of the FH gene. It does not directly change the encoded amino acid sequence of the FH protein. This variant is not present in population databases (gnomAD no frequency). This variant has not been reported in the literature in individuals affected with FH-related conditions. ClinVar contains an entry for this variant (Variation ID: 3689931). Studies have shown that this variant is associated with inconclusive levels of altered splicing (internal data). In summary, the available evidence is currently insufficient to determine the role of this variant in disease. Therefore, it has been classified as a Variant of Uncertain Significance.